The following is an entry in ClinVar:

ClinVar aggregate classification (germline): Uncertain significance (1 of 4 stars; one submission).

Conditions:
Hereditary cancer-predisposing syndrome. Also called: Neoplastic Syndromes, Hereditary; Tumor predisposition; Hereditary Cancer Syndrome; Hereditary neoplastic syndrome. Identifiers: Orphanet 140162, MedGen C0027672, MeSH D009386, MONDO:0015356.

Allele frequency attached by ClinVar (database versions not stated): gnomAD exomes 0.00001.
gnomAD v4.1: 3 of 1,614,138 alleles (0.00019%); highest among the groups gnomAD compares: Non-Finnish European, 0.00025%; no homozygotes.

Submission:

Ambry Genetics
Classification: Uncertain significance for Hereditary cancer-predisposing syndrome. Last evaluated: 2025-05-23. Review status: criteria provided, single submitter. Criteria: Ambry Variant Classification Scheme 2023. Collection method: clinical testing. Allele origin: germline.
Comment: The p.L423Q variant (also known as c.1268T>A), located in coding exon 12 of the FANCC gene, results from a T to A substitution at nucleotide position 1268. The leucine at codon 423 is replaced by glutamine, an amino acid with dissimilar properties. This amino acid position is highly conserved in available vertebrate species. In addition, this alteration is predicted to be deleterious by in silico analysis. Since supporting evidence is limited at this time, the clinical significance of this alteration remains unclear.

NM_000136.3(FANCC):c.1268T>A (p.Leu423Gln)

Genes: AOPEP (aminopeptidase O (putative); plus strand), FANCC (FA complementation group C; minus strand). Cytogenetic location: 9q22.32.
Variant type: single nucleotide variant.
Coding change: c.1268T>A on transcript NM_000136.3 (MANE Select); coding-DNA position 1268, T replaced by A.
Protein change: p.Leu423Gln; replaces leucine 423 with glutamine.
Molecular consequence: missense variant.
Genome position (GRCh38, 1-based): chr9:95,111,524, A>T on the plus strand (T>A on the coding strand, the complement: FANCC is on the minus strand). VCF-style: chr9-95111524-A-T. GRCh37 (hg19) VCF-style: chr9-97873806-A-T.
Other names: c.1268T>A, p.Leu423Gln (NM_001243743.2, NM_001243744.2); short protein forms L423Q.
Identifiers: ClinVar variation 1764663 (VCV001764663.3), dbSNP rs1181146628, ClinGen allele CA374107349.